The following is an entry in ClinVar:

ClinVar aggregate classification (germline): Uncertain significance (1 of 4 stars; one submission).

gnomAD v4.1: 4 of 700,114 alleles (0.00057%); highest among the groups gnomAD compares: Non-Finnish European, 0.001%; no homozygotes.

Submission:

Labcorp Genetics (formerly Invitae), Labcorp
Classification: Uncertain significance. Last evaluated: 2021-04-21. Review status: criteria provided, single submitter. Criteria: Invitae Variant Classification Sherloc (09022015). Collection method: clinical testing. Allele origin: germline.
Comment: This variant occurs in the RNU4ATAC gene, which encodes an RNA molecule that does not result in a protein product. The frequency data for this variant in the population databases is considered unreliable, as metrics indicate insufficient coverage at this position in the ExAC database. This variant has not been reported in the literature in individuals with RNU4ATAC-related conditions. Experimental studies and prediction algorithms are not available or were not evaluated, and the functional significance of this variant is currently unknown. In summary, the available evidence is currently insufficient to determine the role of this variant in disease. Therefore, it has been classified as a Variant of Uncertain Significance.

NC_000002.12:g.121531008A>C

Genes: CLASP1 (cytoplasmic linker associated protein 1; minus strand), CLASP1-AS1 (CLASP1 antisense RNA 1; plus strand), RNU4ATAC (RNA, U4atac small nuclear; plus strand). Cytogenetic location: 2q14.2.
Variant type: single nucleotide variant.
Molecular consequence: intron variant (on NM_001395891.1).
Genome position: GRCh38 VCF-style: chr2-121531008-A-C. GRCh37 (hg19) VCF-style: chr2-122288584-A-C.
Other names: c.196-683T>G (NM_001395891.1, NM_001378004.1, NM_001142273.2 and 5 more transcripts).
Identifiers: ClinVar variation 1522685 (VCV001522685.3), dbSNP rs893429850, ClinGen allele CA756092553.